The following is an entry in ClinVar:

ClinVar aggregate classification (germline): Benign/Likely benign. Review status: criteria provided, multiple submitters, no conflicts (2 of 4 stars). 9 submissions from 9 submitters: Benign (6); Likely benign (1). 2 of the submissions do not count toward it. Last evaluated 2026-01-25.

Conditions:
Mosaic variegated aneuploidy syndrome 1 (MVA1). Also called: Warburton-Anyane-Yeboa syndrome. Identifiers: Orphanet 1052, MedGen C1850343, MONDO:0009759, OMIM 257300.
Colorectal cancer. Also called: Colorectal cancer, somatic; Malignant Colorectal Neoplasm. Identifiers: MedGen C0346629, MONDO:0005575, OMIM 114500.
Premature chromatid separation trait (PCS). Also called: TOTAL PREMATURE CHROMATID SEPARATION TRAIT. Identifiers: MedGen C1864389, MONDO:0008304, OMIM 176430.
Carcinoma of colon (CRC). Also called: Colonic carcinoma; Colon carcinoma. Identifiers: MedGen C0699790, MONDO:0002032.

Allele frequency attached by ClinVar (database versions not stated): gnomAD 0.02335 and 0.02162; gnomAD exomes 0.00198 and 0.00532; ExAC 0.00659; 1000 Genomes Project 0.02316; TOPMed 0.02421; 1000 Genomes Project 30x 0.02420.
gnomAD v4.1: 6,301 of 1,614,136 alleles (0.39%); highest among the groups gnomAD compares: African/African-American, 7.5%; 230 homozygotes.

Submissions (9):

Labcorp Genetics (formerly Invitae), Labcorp
Classification: Benign for Mosaic variegated aneuploidy syndrome 1. Last evaluated: 2026-01-25. Review status: criteria provided, single submitter. Criteria: Invitae Variant Classification Sherloc (09022015). Collection method: clinical testing. Allele origin: germline.

Dasa
Classification: Benign. Last evaluated: 2025-11-24. Review status: criteria provided, single submitter. Criteria: DASA Assertion Criteria. Collection method: clinical testing. Allele origin: germline.
Comment: NM_001211.6(BUB1B):c.119C>T (p.Thr40Met) is interpreted as benign based on a combination of available evidence, including population frequency, and in silico models suggesting no deleterious effect. Based on the available data, this variant is classified as benign.

Fulgent Genetics
Classification: Likely benign for Colorectal cancer; Premature chromatid separation trait; Mosaic variegated aneuploidy syndrome 1. Last evaluated: 2021-08-04. Review status: criteria provided, single submitter. Criteria: ACMG Guidelines, 2015. Collection method: clinical testing. Allele origin: unknown.

Mendelics
Classification: Benign for Mosaic variegated aneuploidy syndrome 1. Last evaluated: 2019-05-28. Review status: criteria provided, single submitter. Criteria: Mendelics Assertion Criteria 2017. Collection method: clinical testing. Allele origin: unknown.

GeneDx
Classification: Benign. Last evaluated: 2019-04-24. Review status: criteria provided, single submitter. Criteria: GeneDx Variant Classification Process June 2021. Collection method: clinical testing. Allele origin: germline. Affected: yes.
Comment: This variant is associated with the following publications: (PMID: 28767289, 27331020, 9521327, 24728327)

Eurofins Ntd Llc (ga)
Classification: Benign. Last evaluated: 2018-03-13. Review status: criteria provided, single submitter. Criteria: EGL ClinVar v180209 classification definitions. Collection method: clinical testing. Allele origin: germline. Observed: 1 variant allele, 1 heterozygote.

Breakthrough Genomics
Classification: Benign. Review status: criteria provided, single submitter. Criteria: ACMG Guidelines, 2015. Collection method: not provided. Allele origin: germline. Inheritance: Autosomal dominant inheritance. Affected: yes.

ITMI
No classification provided. Condition: AllHighlyPenetrant. Last evaluated: 2013-09-19. Review status: no classification provided. Collection method: reference population. Allele origin: germline. Not counted in ClinVar's aggregate classification.
Comment: Please see associated publication for description of ethnicities

OMIM
Classification: Pathogenic for COLORECTAL CANCER, SOMATIC. Last evaluated: 1998-03-19. Review status: no assertion criteria provided. Collection method: literature only. Allele origin: somatic. Not counted in ClinVar's aggregate classification.

Literature cited by the submitters: PubMed 24728327 (cited by ITMI); PubMed 9521327 (cited by OMIM).

NM_001211.6(BUB1B):c.119C>T (p.Thr40Met)

Gene: BUB1B (BUB1 mitotic checkpoint serine/threonine kinase B; plus strand). Cytogenetic location: 15q15.1.
Variant type: single nucleotide variant.
Coding change: c.119C>T on transcript NM_001211.6 (MANE Select); coding-DNA position 119, C replaced by T.
Protein change: p.Thr40Met; replaces threonine 40 with methionine.
Molecular consequence: missense variant.
Genome position (GRCh38, 1-based): chr15:40,165,136, C>T. VCF-style: chr15-40165136-C-T. GRCh37 (hg19) VCF-style: chr15-40457337-C-T.
Other names: short protein forms T40M.
Identifiers: ClinVar variation 6758 (VCV000006758.24), dbSNP rs56079734, ClinGen allele CA157765.